The following is an entry in ClinVar:

ClinVar aggregate classification (germline): Pathogenic (1 of 4 stars; one submission).

Conditions:
Familial adenomatous polyposis 1 (FAP1). Also called: FAMILIAL ADENOMATOUS POLYPOSIS 1, ATTENUATED; POLYPOSIS, ADENOMATOUS INTESTINAL. Identifiers: MedGen C2713442, MONDO:0021056, OMIM 175100. Disease mechanism: loss of function.

Submission:

Myriad Genetics, Inc.
Classification: Pathogenic for Familial adenomatous polyposis 1. Last evaluated: 2023-05-11. Review status: criteria provided, single submitter. Criteria: Myriad Autosomal Dominant, Autosomal Recessive and X-Linked Classification Criteria (2023). Collection method: clinical testing. Allele origin: unknown.
Comment: This variant is considered pathogenic. This variant creates a termination codon and is predicted to result in premature protein truncation.

NM_000038.6(APC):c.4654G>T (p.Glu1552Ter)

Gene: APC (APC regulator of Wnt signaling pathway; plus strand). Cytogenetic location: 5q22.2.
Variant type: single nucleotide variant.
Coding change: c.4654G>T on transcript NM_000038.6 (MANE Select); coding-DNA position 4654, G replaced by T.
Protein change: p.Glu1552Ter; replaces glutamic acid 1552 with a stop codon.
Molecular consequence: nonsense. On other transcripts: non-coding transcript variant (2).
Genome position (GRCh38, 1-based): chr5:112,840,248, G>T. VCF-style: chr5-112840248-G-T. GRCh37 (hg19) VCF-style: chr5-112175945-G-T.
Other names: c.4654G>T, p.Glu1552Ter (NM_001127510.3, NM_001354895.2, NM_001407450.1); c.4600G>T, p.Glu1534Ter (NM_001127511.3); c.4708G>T, p.Glu1570Ter (NM_001354896.2, NM_001407447.1, NM_001407448.1 and 1 more transcripts); c.4684G>T, p.Glu1562Ter (NM_001354897.2); c.4579G>T, p.Glu1527Ter (NM_001354898.2); c.4570G>T, p.Glu1524Ter (NM_001354899.2); c.4531G>T, p.Glu1511Ter (NM_001354900.2); c.4477G>T, p.Glu1493Ter (NM_001354901.2, NM_001407453.1); and 11 more; short protein forms E1168*, E1269*, E1392*, E1423*, E1426*, E1451*, E1461*, E1469*.
Identifiers: ClinVar variation 2583966 (VCV002583966.1), dbSNP rs2149920210, ClinGen allele CA16031533.
Genomic context (GRCh38, chr5:112,840,248, plus strand): 5'-GACAATGGGAATGAAACAGAATCAGAGCAGCCTAAAGAATCAAATGAAAACCAAGAGAAA[G>T]AGGCAGAAAAAACTATTGATTCTGAAAAGGACCTATTAGATGATTCAGATGATGATGATA-3'